The following is an entry in ClinVar:

NM_005733.3(KIF20A):c.1710G>A (p.Met570Ile)

Gene: KIF20A (kinesin family member 20A; plus strand). Cytogenetic location: 5q31.2.
Variant type: single nucleotide variant.
Coding change: c.1710G>A on transcript NM_005733.3 (MANE Select); coding-DNA position 1710, G replaced by A.
Protein change: p.Met570Ile; replaces methionine 570 with isoleucine.
Molecular consequence: missense variant.
Genome position (GRCh38, 1-based): chr5:138,184,833, G>A. VCF-style: chr5-138184833-G-A. GRCh37 (hg19) VCF-style: chr5-137520522-G-A.
Other names: c.1710G>A (NM_005733.2); short protein forms M570I.
Identifiers: ClinVar variation 1414595 (VCV001414595.7), dbSNP rs1398169795, ClinGen allele CA361116998.

ClinVar aggregate classification (germline): Uncertain significance. Review status: criteria provided, multiple submitters, no conflicts (2 of 4 stars). 2 submissions from 2 submitters: Uncertain significance (2). Last evaluated 2024-07-27.

Allele frequency attached by ClinVar (database versions not stated): gnomAD exomes below 0.00001; gnomAD 0.00001; TOPMed 0.00001.
gnomAD v4.1: 10 of 1,614,088 alleles (0.00062%); highest among the groups gnomAD compares: East Asian, 0.0089%; no homozygotes.

Submissions (2):

Labcorp Genetics (formerly Invitae), Labcorp
Classification: Uncertain significance. Last evaluated: 2024-07-27. Review status: criteria provided, single submitter. Criteria: Invitae Variant Classification Sherloc (09022015). Collection method: clinical testing. Allele origin: germline.
Comment: This sequence change replaces methionine, which is neutral and non-polar, with isoleucine, which is neutral and non-polar, at codon 570 of the KIF20A protein (p.Met570Ile). This variant is not present in population databases (gnomAD no frequency). This variant has not been reported in the literature in individuals affected with KIF20A-related conditions. ClinVar contains an entry for this variant (Variation ID: 1414595). An algorithm developed to predict the effect of missense changes on protein structure and function (PolyPhen-2) suggests that this variant is likely to be tolerated. In summary, the available evidence is currently insufficient to determine the role of this variant in disease. Therefore, it has been classified as a Variant of Uncertain Significance.

Ambry Genetics
Classification: Uncertain significance. Last evaluated: 2022-05-25. Review status: criteria provided, single submitter. Criteria: Ambry Variant Classification Scheme 2023. Collection method: clinical testing. Allele origin: germline.